The following is an entry in ClinVar:

ClinVar aggregate classification (germline): Uncertain significance (1 of 4 stars; one submission).

Submission:

Labcorp Genetics (formerly Invitae), Labcorp
Classification: Uncertain significance. Last evaluated: 2023-12-12. Review status: criteria provided, single submitter. Criteria: Invitae Variant Classification Sherloc (09022015). Collection method: clinical testing. Allele origin: germline.
Comment: This sequence change replaces lysine, which is basic and polar, with asparagine, which is neutral and polar, at codon 1302 of the ARHGEF10 protein (p.Lys1302Asn). This variant is not present in population databases (gnomAD no frequency). This variant has not been reported in the literature in individuals affected with ARHGEF10-related conditions. Advanced modeling of protein sequence and biophysical properties (such as structural, functional, and spatial information, amino acid conservation, physicochemical variation, residue mobility, and thermodynamic stability) performed at Invitae indicates that this missense variant is not expected to disrupt ARHGEF10 protein function with a negative predictive value of 80%. In summary, the available evidence is currently insufficient to determine the role of this variant in disease. Therefore, it has been classified as a Variant of Uncertain Significance.

NM_014629.4(ARHGEF10):c.3906G>C (p.Lys1302Asn)

Gene: ARHGEF10 (Rho guanine nucleotide exchange factor 10; plus strand). Cytogenetic location: 8p23.3.
Variant type: single nucleotide variant.
Coding change: c.3906G>C on transcript NM_014629.4 (MANE Select); coding-DNA position 3906, G replaced by C.
Protein change: p.Lys1302Asn; replaces lysine 1302 with asparagine.
Molecular consequence: missense variant.
Genome position (GRCh38, 1-based): chr8:1,957,134, G>C. VCF-style: chr8-1957134-G-C. GRCh37 (hg19) VCF-style: chr8-1905300-G-C.
Other names: c.3792G>C, p.Lys1264Asn (NM_001308152.2); c.3906G>C, p.Lys1302Asn (NM_001308153.3); short protein forms K1264N, K1302N, K1326N.
Identifiers: ClinVar variation 2783749 (VCV002783749.3), dbSNP rs1326065113, ClinGen allele CA369958811.